The following is an entry in ClinVar:

NM_000093.5(COL5A1):c.3137T>A (p.Leu1046His)

Gene: COL5A1 (collagen type V alpha 1 chain; plus strand). Cytogenetic location: 9q34.3.
Variant type: single nucleotide variant.
Coding change: c.3137T>A on transcript NM_000093.5 (MANE Select); coding-DNA position 3137, T replaced by A.
Protein change: p.Leu1046His; replaces leucine 1046 with histidine.
Molecular consequence: missense variant.
Genome position (GRCh38, 1-based): chr9:134,804,997, T>A. VCF-style: chr9-134804997-T-A. GRCh37 (hg19) VCF-style: chr9-137696843-T-A.
Other names: c.3137T>A, p.Leu1046His (NM_001278074.1); short protein forms L1046H.
Identifiers: ClinVar variation 3629483 (VCV003629483.2).

ClinVar aggregate classification (germline): Uncertain significance (1 of 4 stars; one submission).

Submission:

Women's Health and Genetics/Laboratory Corporation of America, LabCorp
Classification: Uncertain significance. Last evaluated: 2024-11-29. Review status: criteria provided, single submitter. Criteria: LabCorp Variant Classification Summary - May 2015. Collection method: clinical testing. Allele origin: germline.
Comment: Variant summary: COL5A1 c.3137T>A (p.Leu1046His) results in a non-conservative amino acid change in the encoded protein sequence. Three of five in-silico tools predict a damaging effect of the variant on protein function. The variant was absent in 251140 control chromosomes. The available data on variant occurrences in the general population are insufficient to allow any conclusion about variant significance. To our knowledge, no occurrence of c.3137T>A in individuals affected with Ehlers-Danlos syndrome, classic type, Ehlers-Danlos syndrome, classic type, 1 and no experimental evidence demonstrating its impact on protein function have been reported. No submitters have cited clinical-significance assessments for this variant to ClinVar. Based on the evidence outlined above, the variant was classified as uncertain significance.